The following is an entry in ClinVar:

ClinVar aggregate classification (germline): Uncertain significance (1 of 4 stars; one submission).

Conditions:
Ehlers-Danlos syndrome, type 4 (EDSVASC). Also called: Ehlers-Danlos syndrome vascular type; Ehlers Danlos syndrome, ecchymotic type; Ehlers Danlos syndrome, arterial type; Ehlers Danlos syndrome, Sack-Barabas type; Ehlers-Danlos Syndrome Type IV. Identifiers: Orphanet 286, MedGen C0268338, MONDO:0017314, OMIM 130050.

gnomAD v4.1: 4 of 1,614,016 alleles (0.00025%); highest among the groups gnomAD compares: East Asian, 0.0022%; no homozygotes.

Submission:

Labcorp Genetics (formerly Invitae), Labcorp
Classification: Uncertain significance for Ehlers-Danlos syndrome, type 4. Last evaluated: 2025-03-19. Review status: criteria provided, single submitter. Criteria: Invitae Variant Classification Sherloc (09022015). Collection method: clinical testing. Allele origin: germline.
Comment: This sequence change replaces arginine, which is basic and polar, with cysteine, which is neutral and slightly polar, at codon 992 of the COL3A1 protein (p.Arg992Cys). This variant is not present in population databases (gnomAD no frequency). This variant has not been reported in the literature in individuals affected with COL3A1-related conditions. Invitae Evidence Modeling of protein sequence and biophysical properties (such as structural, functional, and spatial information, amino acid conservation, physicochemical variation, residue mobility, and thermodynamic stability) indicates that this missense variant is expected to disrupt COL3A1 protein function with a positive predictive value of 95%. In summary, the available evidence is currently insufficient to determine the role of this variant in disease. Therefore, it has been classified as a Variant of Uncertain Significance.

NM_000090.4(COL3A1):c.2974C>T (p.Arg992Cys)

Gene: COL3A1 (collagen type III alpha 1 chain; plus strand). Cytogenetic location: 2q32.2.
Variant type: single nucleotide variant.
Coding change: c.2974C>T on transcript NM_000090.4 (MANE Select); coding-DNA position 2974, C replaced by T.
Protein change: p.Arg992Cys; replaces arginine 992 with cysteine.
Molecular consequence: missense variant.
Genome position (GRCh38, 1-based): chr2:189,005,392, C>T. VCF-style: chr2-189005392-C-T. GRCh37 (hg19) VCF-style: chr2-189870118-C-T.
Other names: short protein forms R992C.
Identifiers: ClinVar variation 3716506 (VCV003716506.2).